The following is an entry in ClinVar:

NM_178138.6(LHX3):c.1090A>T (p.Asn364Tyr)

Gene: LHX3 (LIM homeobox 3; minus strand). Cytogenetic location: 9q34.3.
Variant type: single nucleotide variant.
Coding change: c.1090A>T on transcript NM_178138.6 (MANE Select); coding-DNA position 1090, A replaced by T.
Protein change: p.Asn364Tyr; replaces asparagine 364 with tyrosine.
Molecular consequence: missense variant.
Genome position (GRCh38, 1-based): chr9:136,197,429, T>A on the plus strand (A>T on the coding strand, the complement: LHX3 is on the minus strand). VCF-style: chr9-136197429-T-A. GRCh37 (hg19) VCF-style: chr9-139089275-T-A.
Other names: c.1057A>T, p.Asn353Tyr (NM_001363746.1); c.1105A>T, p.Asn369Tyr (NM_014564.5); short protein forms N353Y, N364Y, N369Y.
Identifiers: ClinVar variation 2143572 (VCV002143572.1), dbSNP rs756762698, ClinGen allele CA5330262.

ClinVar aggregate classification (germline): Uncertain significance (1 of 4 stars; one submission).

Allele frequency attached by ClinVar (database versions not stated): gnomAD 0.00001; TOPMed 0.00001; ExAC 0.00002.
gnomAD v4.1: 6 of 1,597,684 alleles (0.00038%); highest among the groups gnomAD compares: East Asian, 0.014%; no homozygotes.

Submission:

Labcorp Genetics (formerly Invitae), Labcorp
Classification: Uncertain significance. Last evaluated: 2021-11-01. Review status: criteria provided, single submitter. Criteria: Invitae Variant Classification Sherloc (09022015). Collection method: clinical testing. Allele origin: germline.
Comment: This sequence change replaces asparagine, which is neutral and polar, with tyrosine, which is neutral and polar, at codon 369 of the LHX3 protein (p.Asn369Tyr). This variant is present in population databases (rs756762698, gnomAD 0.05%). This variant has not been reported in the literature in individuals affected with LHX3-related conditions. Algorithms developed to predict the effect of missense changes on protein structure and function are either unavailable or do not agree on the potential impact of this missense change (SIFT: "Not Available"; PolyPhen-2: "Possibly Damaging"; Align-GVGD: "Not Available"). In summary, the available evidence is currently insufficient to determine the role of this variant in disease. Therefore, it has been classified as a Variant of Uncertain Significance.